The following is an entry in ClinVar:

NM_000334.4(SCN4A):c.3720+59dup

Genes: GH-LCR (growth hormone locus control region; plus strand), SCN4A (sodium voltage-gated channel alpha subunit 4; minus strand). Cytogenetic location: 17q23.3.
Variant type: Duplication.
Coding change: c.3720+59dup on transcript NM_000334.4 (MANE Select); 59 bases into the intron after coding-DNA position 3720, one base duplicated (C; older notation c.3720+59dupC).
Molecular consequence: intron variant.
Genome position (GRCh38, 1-based): chr17:63,945,300, G duplicated on the plus strand (C on the coding strand, the reverse complement: SCN4A is on the minus strand); the first of 2 consecutive G bases (chr17:63,945,300-63,945,301); duplicating either gives the same sequence. VCF-style (leftmost placement, unchanged base first): chr17-63945299-A-AG. GRCh37 (hg19) VCF-style: chr17-62022659-A-AG.
Other names: c.3720+60dupC (NM_000334.4).
Identifiers: ClinVar variation 669354 (VCV000669354.1), dbSNP rs58028318, ClinGen allele CA292961505.

ClinVar aggregate classification (germline): Benign (1 of 4 stars; one submission).

Submission:

GeneDx
Classification: Benign. Last evaluated: 2018-06-14. Review status: criteria provided, single submitter. Criteria: GeneDx Variant Classification (06012015). Collection method: clinical testing. Allele origin: germline. Affected: yes.
Comment: This variant is considered likely benign or benign based on one or more of the following criteria: it is a conservative change, it occurs at a poorly conserved position in the protein, it is predicted to be benign by multiple in silico algorithms, and/or has population frequency not consistent with disease.